The following is an entry in ClinVar:

ClinVar aggregate classification (germline): Uncertain significance (1 of 4 stars; one submission).

Conditions:
Congenital myopathy with internal nuclei and atypical cores. Also called: Myopathy, centronuclear, 4. Identifiers: Orphanet 319160, MedGen C4707232, MONDO:0013890, OMIM 614807.

Allele frequency attached by ClinVar (database versions not stated): TOPMed below 0.00001.

Submission:

Labcorp Genetics (formerly Invitae), Labcorp
Classification: Uncertain significance for Congenital myopathy with internal nuclei and atypical cores. Last evaluated: 2022-05-28. Review status: criteria provided, single submitter. Criteria: Invitae Variant Classification Sherloc (09022015). Collection method: clinical testing. Allele origin: germline.
Comment: This sequence change replaces aspartic acid, which is acidic and polar, with glycine, which is neutral and non-polar, at codon 394 of the CCDC78 protein (p.Asp394Gly). This variant is not present in population databases (gnomAD no frequency). This variant has not been reported in the literature in individuals affected with CCDC78-related conditions. Algorithms developed to predict the effect of missense changes on protein structure and function are either unavailable or do not agree on the potential impact of this missense change (SIFT: "Deleterious"; PolyPhen-2: "Possibly Damaging"; Align-GVGD: "Class C0"). In summary, the available evidence is currently insufficient to determine the role of this variant in disease. Therefore, it has been classified as a Variant of Uncertain Significance.

NM_001378030.1(CCDC78):c.1181A>G (p.Asp394Gly)

Gene: CCDC78 (coiled-coil domain containing 78; minus strand). Cytogenetic location: 16p13.3.
Variant type: single nucleotide variant.
Coding change: c.1181A>G on transcript NM_001378030.1 (MANE Select); coding-DNA position 1181, A replaced by G.
Protein change: p.Asp394Gly; replaces aspartic acid 394 with glycine.
Molecular consequence: missense variant. On other transcripts: non-coding transcript variant (5).
Genome position (GRCh38, 1-based): chr16:723,114, T>C on the plus strand (A>G on the coding strand, the complement: CCDC78 is on the minus strand). VCF-style: chr16-723114-T-C. GRCh37 (hg19) VCF-style: chr16-773114-T-C.
Other names: c.1181A>G, p.Asp394Gly (NM_001031737.3); c.1001A>G, p.Asp334Gly (NM_001378031.1); c.614A>G, p.Asp205Gly (NM_001378033.1); short protein forms D334G, D394G, D205G.
Identifiers: ClinVar variation 1956881 (VCV001956881.5), dbSNP rs1160618314, ClinGen allele CA394097906.